The following is an entry in ClinVar:

NM_002334.4(LRP4):c.5054G>A (p.Arg1685Gln)

Genes: LRP4 (LDL receptor related protein 4; minus strand), LRP4-AS1 (LRP4 antisense RNA 1; plus strand). Cytogenetic location: 11p11.2.
Variant type: single nucleotide variant.
Coding change: c.5054G>A on transcript NM_002334.4 (MANE Select); coding-DNA position 5054, G replaced by A.
Protein change: p.Arg1685Gln; replaces arginine 1685 with glutamine.
Molecular consequence: missense variant.
Genome position (GRCh38, 1-based): chr11:46,868,012, C>T on the plus strand (G>A on the coding strand, the complement: LRP4 is on the minus strand). VCF-style: chr11-46868012-C-T. GRCh37 (hg19) VCF-style: chr11-46889563-C-T.
Other names: short protein forms R1685Q.
Identifiers: ClinVar variation 467792 (VCV000467792.15), dbSNP rs138238230, ClinGen allele CA5969168.
Genomic context (GRCh38, chr11:46,868,012, plus strand): 5'-CCATGATCCTGCATTGAACCTATTTACCTTCCTTCCACCTCCTCCAGAGACGTGCGGGTC[C>T]GGGTGGTTGAAGAATACAAGGTGGTAGGTGGTGTGTTGGGTAGCACTGGGCTCTTTTCAC-3'
Protein context (NP_002325.2, residues 1675-1695): PPTTLYSSTT[Arg1685Gln]TRTSLEEVEG

ClinVar aggregate classification (germline): Uncertain significance. Review status: criteria provided, multiple submitters, no conflicts (2 of 4 stars). 5 submissions from 5 submitters: Uncertain significance (5). Last evaluated 2024-01-02.

Conditions:
Congenital myasthenic syndrome 17. Identifiers: Orphanet 590, MedGen C4225377, MONDO:0014578, OMIM 616304.
Cenani-Lenz syndactyly syndrome. Also called: SYNDACTYLY, TYPE VII; CENANI SYNDACTYLISM. Identifiers: Orphanet 3258, MedGen C1859309, MONDO:0008931, OMIM 212780.
Sclerosteosis 2 (SOST2). Identifiers: Orphanet 3152, MedGen C3280402, MONDO:0013679, OMIM 614305.
Inborn genetic diseases. Identifiers: MedGen C0950123, MeSH D030342.

Allele frequency attached by ClinVar (database versions not stated): TOPMed 0.00006; ExAC 0.00007; gnomAD 0.00007; ESP Exome Variant Server 0.00015.
gnomAD v4.1: 92 of 1,613,954 alleles (0.0057%); highest among the groups gnomAD compares: Middle Eastern, 0.049%; no homozygotes.

Submissions (5):

Labcorp Genetics (formerly Invitae), Labcorp
Classification: Uncertain significance for Cenani-Lenz syndactyly syndrome; Sclerosteosis 2; Congenital myasthenic syndrome 17. Last evaluated: 2024-01-02. Review status: criteria provided, single submitter. Criteria: Invitae Variant Classification Sherloc (09022015). Collection method: clinical testing. Allele origin: germline.
Comment: This sequence change replaces arginine, which is basic and polar, with glutamine, which is neutral and polar, at codon 1685 of the LRP4 protein (p.Arg1685Gln). This variant is present in population databases (rs138238230, gnomAD 0.006%). This variant has not been reported in the literature in individuals affected with LRP4-related conditions. ClinVar contains an entry for this variant (Variation ID: 467792). Advanced modeling of protein sequence and biophysical properties (such as structural, functional, and spatial information, amino acid conservation, physicochemical variation, residue mobility, and thermodynamic stability) performed at Invitae indicates that this missense variant is not expected to disrupt LRP4 protein function with a negative predictive value of 80%. Algorithms developed to predict the effect of sequence changes on RNA splicing suggest that this variant may disrupt the consensus splice site. In summary, the available evidence is currently insufficient to determine the role of this variant in disease. Therefore, it has been classified as a Variant of Uncertain Significance.

Revvity Omics, Revvity
Classification: Uncertain significance. Last evaluated: 2023-08-14. Review status: criteria provided, single submitter. Criteria: ACMG Guidelines, 2015. Collection method: clinical testing. Allele origin: germline.

Ambry Genetics
Classification: Uncertain significance for Inborn genetic diseases. Last evaluated: 2021-07-28. Review status: criteria provided, single submitter. Criteria: Ambry Variant Classification Scheme 2023. Collection method: clinical testing. Allele origin: germline.

Illumina Laboratory Services, Illumina
Classification: Uncertain significance for Cenani-Lenz syndactyly syndrome. Last evaluated: 2018-03-16. Review status: criteria provided, single submitter. Criteria: ICSL Variant Classification Criteria 13 December 2019. Collection method: clinical testing. Allele origin: germline.

Eurofins Ntd Llc (ga)
Classification: Uncertain significance. Last evaluated: 2017-01-03. Review status: criteria provided, single submitter. Criteria: EGL Classification Definitions 2015. Collection method: clinical testing. Allele origin: germline. Observed: 1 variant allele, 1 heterozygote.